The following is an entry in ClinVar:

NM_001184.4(ATR):c.2240C>T (p.Ala747Val)

Gene: ATR (ATR checkpoint kinase; minus strand). Cytogenetic location: 3q23.
Variant type: single nucleotide variant.
Coding change: c.2240C>T on transcript NM_001184.4 (MANE Select); coding-DNA position 2240, C replaced by T.
Protein change: p.Ala747Val; replaces alanine 747 with valine.
Molecular consequence: missense variant.
Genome position (GRCh38, 1-based): chr3:142,555,978, G>A on the plus strand (C>T on the coding strand, the complement: ATR is on the minus strand). VCF-style: chr3-142555978-G-A. GRCh37 (hg19) VCF-style: chr3-142274820-G-A.
Other names: c.2048C>T, p.Ala683Val (NM_001354579.2); short protein forms A683V, A747V.
Identifiers: ClinVar variation 2087917 (VCV002087917.4), dbSNP rs779047219, ClinGen allele CA2650402.

ClinVar aggregate classification (germline): Uncertain significance (1 of 4 stars; one submission).

Allele frequency attached by ClinVar (database versions not stated): gnomAD exomes below 0.00001; gnomAD 0.00001; ExAC 0.00002.
gnomAD v4.1: 2 of 1,613,856 alleles (0.00012%); highest among the groups gnomAD compares: East Asian, 0.0045%; no homozygotes.

Submission:

Labcorp Genetics (formerly Invitae), Labcorp
Classification: Uncertain significance. Last evaluated: 2024-05-05. Review status: criteria provided, single submitter. Criteria: Invitae Variant Classification Sherloc (09022015). Collection method: clinical testing. Allele origin: germline.
Comment: This sequence change replaces alanine, which is neutral and non-polar, with valine, which is neutral and non-polar, at codon 747 of the ATR protein (p.Ala747Val). This variant is present in population databases (rs779047219, gnomAD 0.03%). This variant has not been reported in the literature in individuals affected with ATR-related conditions. ClinVar contains an entry for this variant (Variation ID: 2087917). Algorithms developed to predict the effect of missense changes on protein structure and function output the following: SIFT: "Not Available"; PolyPhen-2: "Benign"; Align-GVGD: "Not Available". The valine amino acid residue is found in multiple mammalian species, which suggests that this missense change does not adversely affect protein function. In summary, the available evidence is currently insufficient to determine the role of this variant in disease. Therefore, it has been classified as a Variant of Uncertain Significance.